The following is an entry in ClinVar:

ClinVar aggregate classification (germline): Uncertain significance (1 of 4 stars; one submission).

Conditions:
Glycogen storage disease XV (GSD15). Also called: GLYCOGENIN DEFICIENCY; GSD XV. Identifiers: Orphanet 263297, MedGen C3150754, MONDO:0013291, OMIM 613507.
Polyglucosan body myopathy type 2. Identifiers: Orphanet 456369, MedGen C4015452, MONDO:0014526, OMIM 616199.

Allele frequency attached by ClinVar (database versions not stated): gnomAD exomes 0.00001; TOPMed below 0.00001.
gnomAD v4.1: 7 of 1,613,394 alleles (0.00043%); highest among the groups gnomAD compares: Non-Finnish European, 0.00059%; no homozygotes.

Submission:

Labcorp Genetics (formerly Invitae), Labcorp
Classification: Uncertain significance for Polyglucosan body myopathy type 2; Glycogen storage disease XV. Last evaluated: 2025-04-14. Review status: criteria provided, single submitter. Criteria: Invitae Variant Classification Sherloc (09022015). Collection method: clinical testing. Allele origin: germline.
Comment: This sequence change replaces tyrosine, which is neutral and polar, with cysteine, which is neutral and slightly polar, at codon 197 of the GYG1 protein (p.Tyr197Cys). This variant is not present in population databases (gnomAD no frequency). This variant has not been reported in the literature in individuals affected with GYG1-related conditions. ClinVar contains an entry for this variant (Variation ID: 2933611). Invitae Evidence Modeling of protein sequence and biophysical properties (such as structural, functional, and spatial information, amino acid conservation, physicochemical variation, residue mobility, and thermodynamic stability) indicates that this missense variant is expected to disrupt GYG1 protein function with a positive predictive value of 80%. In summary, the available evidence is currently insufficient to determine the role of this variant in disease. Therefore, it has been classified as a Variant of Uncertain Significance.

NM_004130.4(GYG1):c.590A>G (p.Tyr197Cys)

Gene: GYG1 (glycogenin 1; plus strand). Cytogenetic location: 3q24.
Variant type: single nucleotide variant.
Coding change: c.590A>G on transcript NM_004130.4 (MANE Select); coding-DNA position 590, A replaced by G.
Protein change: p.Tyr197Cys; replaces tyrosine 197 with cysteine.
Molecular consequence: missense variant.
Genome position (GRCh38, 1-based): chr3:149,009,384, A>G. VCF-style: chr3-149009384-A-G. GRCh37 (hg19) VCF-style: chr3-148727171-A-G.
Other names: c.590A>G, p.Tyr197Cys (NM_001184720.2, NM_001184721.2); short protein forms Y197C.
Identifiers: ClinVar variation 2933611 (VCV002933611.3), dbSNP rs1216767993, ClinGen allele CA354905400.